The following is an entry in ClinVar:

ClinVar aggregate classification (germline): Likely benign (0 of 4 stars; one submission).

Conditions:
NLRP2-related disorder. Also called: NLRP2-related condition.

Allele frequency attached by ClinVar (database versions not stated): ExAC 0.00002.
gnomAD v4.1: 3 of 1,614,106 alleles (0.00019%); highest among the groups gnomAD compares: Admixed American, 0.005%; no homozygotes.

Submission:

PreventionGenetics, part of Exact Sciences
Classification: Likely benign for NLRP2-related condition. Last evaluated: 2020-09-03. Review status: no assertion criteria provided. Collection method: clinical testing. Allele origin: germline.
Comment: This variant is classified as likely benign based on ACMG/AMP sequence variant interpretation guidelines (Richards et al. 2015 PMID: 25741868, with internal and published modifications).

NM_017852.5(NLRP2):c.612C>T (p.Pro204=)

Gene: NLRP2 (NLR family pyrin domain containing 2; plus strand). Cytogenetic location: 19q13.42.
Variant type: single nucleotide variant.
Coding change: c.612C>T on transcript NM_017852.5 (MANE Select); coding-DNA position 612, C replaced by T.
Protein change: p.Pro204=; no amino-acid change (proline 204 retained).
Molecular consequence: synonymous variant. On other transcripts: non-coding transcript variant (1).
Genome position (GRCh38, 1-based): chr19:54,982,310, C>T. VCF-style: chr19-54982310-C-T. GRCh37 (hg19) VCF-style: chr19-55493678-C-T.
Other names: c.612C>T, p.Pro204= (NM_001174081.3); c.546C>T, p.Pro182= (NM_001174082.3); c.543C>T, p.Pro181= (NM_001174083.2); c.603C>T, p.Pro201= (NM_001348003.2).
Identifiers: ClinVar variation 3037054 (VCV003037054.2), dbSNP rs763411571, ClinGen allele CA310102730.
Genomic context (GRCh38, chr19:54,982,310, plus strand): 5'-TATGGCTGAGAGATACAAGATGCTGATCCCATTCAGCAACCCCAGGGTGCTTCCCGGGCC[C>T]TTCTCATACACGGTGGTGCTGTATGGTCCTGCAGGCCTTGGGAAAACCACGCTGGCCCAG-3'
Protein context (NP_060322.1, residues 194-214): PFSNPRVLPG[Pro204=]FSYTVVLYGP